The following is an entry in ClinVar:

NM_004035.7(ACOX1):c.442C>T (p.Arg148Ter)

Gene: ACOX1 (acyl-CoA oxidase 1; minus strand). Cytogenetic location: 17q25.1.
Variant type: single nucleotide variant.
Coding change: c.442C>T on transcript NM_004035.7 (MANE Select); coding-DNA position 442, C replaced by T.
Protein change: p.Arg148Ter; replaces arginine 148 with a stop codon.
Molecular consequence: nonsense.
Genome position (GRCh38, 1-based): chr17:75,957,555, G>A on the plus strand (C>T on the coding strand, the complement: ACOX1 is on the minus strand). VCF-style: chr17-75957555-G-A. GRCh37 (hg19) VCF-style: chr17-73953636-G-A.
Other names: c.328C>T, p.Arg110Ter (NM_001185039.2); c.442C>T, p.Arg148Ter (NM_007292.6); short protein forms R148*, R110*.
Identifiers: ClinVar variation 1502 (VCV000001502.4), dbSNP rs118204093, ClinGen allele CA115031.

ClinVar aggregate classification (germline): Pathogenic. Review status: criteria provided, multiple submitters, no conflicts (2 of 4 stars). 3 submissions from 3 submitters: Pathogenic (2). 1 of the submissions does not count toward it. Last evaluated 2024-03-28.

Conditions:
Acyl-CoA oxidase deficiency. Also called: Peroxisomal acyl-CoA oxidase deficiency; STRAIGHT-CHAIN ACYL-CoA OXIDASE DEFICIENCY; Pseudoneonatal adrenoleukodystrophy. Identifiers: Orphanet 2971, MedGen C1849678, MONDO:0009919, OMIM 264470. Disease mechanism: loss of function.
Mitchell syndrome. Identifiers: Orphanet 631248, MedGen C5394554, MONDO:0030073, OMIM 618960.

gnomAD v4.1: 4 of 1,613,780 alleles (0.00025%); highest among the groups gnomAD compares: Non-Finnish European, 0.00025%; no homozygotes.

Submissions (3):

Fulgent Genetics
Classification: Pathogenic for Acyl-CoA oxidase deficiency; Mitchell syndrome. Last evaluated: 2024-03-28. Review status: criteria provided, single submitter. Criteria: ACMG Guidelines, 2015. Collection method: clinical testing. Allele origin: germline.

GeneDx
Classification: Pathogenic. Last evaluated: 2017-11-30. Review status: criteria provided, single submitter. Criteria: GeneDx Variant Classification (06012015). Collection method: clinical testing. Allele origin: germline. Affected: yes.
Comment: The R148X nonsense variant in the ACOX1 gene has been reported previously in association with peroxisomal acyl-CoA oxidase deficiency in an individual who was homozygous for R148X (Ferdinandusse et al., 2007). The R148X variant is not observed in large population cohorts (Lek et al., 2016). This variant is predicted to cause loss of normal protein function either through protein truncation or nonsense-mediated mRNA decay. In summary, we interpret R148X to be a pathogenic variant.

OMIM
Classification: Pathogenic for PEROXISOMAL ACYL-CoA OXIDASE DEFICIENCY. Last evaluated: 2007-09-01. Review status: no assertion criteria provided. Collection method: literature only. Allele origin: germline. Not counted in ClinVar's aggregate classification.

Literature cited by the submitters: PubMed 17458872 (cited by OMIM).